The following is an entry in ClinVar:

NM_206933.4(USH2A):c.3531T>C (p.Gly1177=)

Genes: USH2A-AS1 (USH2A antisense RNA 1; plus strand), USH2A (usherin; minus strand). Cytogenetic location: 1q41.
Variant type: single nucleotide variant.
Coding change: c.3531T>C on transcript NM_206933.4 (MANE Select); coding-DNA position 3531, T replaced by C.
Protein change: p.Gly1177=; no amino-acid change (glycine 1177 retained).
Molecular consequence: synonymous variant.
Genome position (GRCh38, 1-based): chr1:216,199,907, A>G on the plus strand (T>C on the coding strand, the complement: USH2A is on the minus strand). VCF-style: chr1-216199907-A-G. GRCh37 (hg19) VCF-style: chr1-216373249-A-G.
Other names: p.Gly1177=; c.3531T>C, p.Gly1177= (NM_007123.6); c.3531T>C (NM_206933.3).
Identifiers: ClinVar variation 391202 (VCV000391202.41), dbSNP rs149570469, ClinGen allele CA1395973.
Genomic context (GRCh38, chr1:216,199,907, plus strand): 5'-GGAAACACATGGCTGACCACCAGCCAAAGGGGCACAGGACAAAATATATTTCTCTATGGG[A>G]CCAGATTGATTTGAGAGTGTTGTCCAGGTAAGTGTCACAGAGTCTGAGCCAATAGGAATG-3'
Protein context (NP_996816.3, residues 1167-1187): LTWTTLSNQS[Gly1177=]PIEKYILSCA

ClinVar aggregate classification (germline): Benign/Likely benign. Review status: criteria provided, multiple submitters, no conflicts (2 of 4 stars). 8 submissions from 7 submitters: Benign (2); Likely benign (6). Last evaluated 2026-01-12.

Conditions:
Retinitis pigmentosa 39 (RP39). Identifiers: Orphanet 791, MedGen C3151138, MONDO:0013436, OMIM 613809.
Usher syndrome type 2A. Also called: USHER SYNDROME, TYPE IIA; RETINAL DISEASE IN USHER SYNDROME TYPE IIA, MODIFIER OF. Identifiers: Orphanet 231178, Orphanet 886, MedGen C1848634, MONDO:0010169, OMIM 276901.

Allele frequency attached by ClinVar (database versions not stated): TOPMed 0.00011; ESP Exome Variant Server 0.00023; 1000 Genomes Project 30x 0.00031; gnomAD exomes 0.00037 and 0.00084; 1000 Genomes Project 0.00040; gnomAD 0.00055 and 0.00057; ExAC 0.00074.
gnomAD v4.1: 629 of 1,614,090 alleles (0.039%); highest among the groups gnomAD compares: Non-Finnish European, 0.018%; 2 homozygotes.

Submissions (8):

Labcorp Genetics (formerly Invitae), Labcorp
Classification: Benign. Last evaluated: 2026-01-12. Review status: criteria provided, single submitter. Criteria: Invitae Variant Classification Sherloc (09022015). Collection method: clinical testing. Allele origin: germline.

Mayo Clinic Laboratories, Mayo Clinic
Classification: Likely benign. Last evaluated: 2025-05-07. Review status: criteria provided, single submitter. Criteria: ACMG Guidelines, 2015. Collection method: clinical testing. Allele origin: germline. Observed: 1 variant allele.
Comment: PM2_supporting

Blueprint Genetics
Classification: Likely benign. Last evaluated: 2024-09-18. Review status: criteria provided, single submitter. Criteria: ACMG Guidelines, 2015. Collection method: clinical testing. Allele origin: germline.

Genome-Nilou Lab
Classification: Likely benign for Retinitis pigmentosa 39. Last evaluated: 2023-11-04. Review status: criteria provided, single submitter. Criteria: ACMG Guidelines, 2015. Collection method: clinical testing. Allele origin: germline. Affected: no.

Genome-Nilou Lab
Classification: Likely benign for Usher syndrome type 2A. Last evaluated: 2023-11-04. Review status: criteria provided, single submitter. Criteria: ACMG Guidelines, 2015. Collection method: clinical testing. Allele origin: germline. Affected: no.

CeGaT Center for Human Genetics Tuebingen
Classification: Likely benign. Last evaluated: 2022-07-01. Review status: criteria provided, single submitter. Criteria: CeGaT Center For Human Genetics Tuebingen Variant Classification Criteria Version 2. Collection method: clinical testing. Allele origin: germline. Affected: yes. Observed: 2 variant alleles.
Comment: USH2A: BP4, BP7

GeneDx
Classification: Likely benign. Last evaluated: 2019-10-07. Review status: criteria provided, single submitter. Criteria: GeneDx Variant Classification Process June 2021. Collection method: clinical testing. Allele origin: germline. Affected: yes.

Athena Diagnostics
Classification: Benign. Last evaluated: 2018-12-07. Review status: criteria provided, single submitter. Criteria: Athena Diagnostics Criteria. Collection method: clinical testing. Allele origin: germline.